The following is an entry in ClinVar:

ClinVar aggregate classification (germline): Pathogenic/Likely pathogenic. Review status: criteria provided, multiple submitters, no conflicts (2 of 4 stars). 3 submissions from 3 submitters: Pathogenic (1); Likely pathogenic (2). Last evaluated 2024-05-17.

Conditions:
Nephronophthisis. Also called: Juvenile Nephronophthisis. Identifiers: Orphanet 655, MedGen C0687120, MONDO:0019005, HP:0000090.
Nephronophthisis 4 (NPHP4). Also called: NEPHRONOPHTHISIS 4, JUVENILE. Identifiers: Orphanet 655, MedGen C1847013, MONDO:0011752, OMIM 606966.
Senior-Loken syndrome 4 (SLSN4). Identifiers: Orphanet 3156, MedGen C1846979, MONDO:0011756, OMIM 606996.
NPHP4-related disorder. Also called: NPHP4-related condition; NPHP4-related disorders. Identifiers: MedGen CN239384.

Allele frequency attached by ClinVar (database versions not stated): gnomAD exomes below 0.00001; TOPMed below 0.00001.

Submissions (3):

Fulgent Genetics
Classification: Likely pathogenic for Nephronophthisis 4; Senior-Loken syndrome 4. Last evaluated: 2024-05-17. Review status: criteria provided, single submitter. Criteria: ACMG Guidelines, 2015. Collection method: clinical testing. Allele origin: germline.

Labcorp Genetics (formerly Invitae), Labcorp
Classification: Pathogenic for Nephronophthisis. Last evaluated: 2023-07-26. Review status: criteria provided, single submitter. Criteria: Invitae Variant Classification Sherloc (09022015). Collection method: clinical testing. Allele origin: germline.
Comment: For these reasons, this variant has been classified as Pathogenic. This variant has not been reported in the literature in individuals affected with NPHP4-related conditions. This variant is not present in population databases (gnomAD no frequency). This sequence change creates a premature translational stop signal (p.Ala565Argfs*58) in the NPHP4 gene. It is expected to result in an absent or disrupted protein product. Loss-of-function variants in NPHP4 are known to be pathogenic (PMID: 12205563, 23559409).

Blueprint Genetics
Classification: Likely pathogenic for NPHP4-related disorders. Last evaluated: 2022-11-19. Review status: criteria provided, single submitter. Criteria: ACMG Guidelines, 2015. Collection method: clinical testing. Allele origin: germline. Affected: yes. Observed: 1 variant allele.

Literature cited by the submitters: PubMed 12205563 (cited by Labcorp Genetics (formerly Invitae), Labcorp); PubMed 23559409 (cited by Labcorp Genetics (formerly Invitae), Labcorp).

NM_015102.5(NPHP4):c.1692_1704del (p.Ala565fs)

Gene: NPHP4 (nephrocystin 4; minus strand). Cytogenetic location: 1p36.31.
Variant type: Deletion.
Coding change: c.1692_1704del on transcript NM_015102.5 (MANE Select); coding-DNA positions 1692 to 1704, 13 bases deleted (TGCCGAACAGTTA).
Protein change: p.Ala565fs; shifts the reading frame from alanine 565.
Molecular consequence: frameshift variant. On other transcripts: non-coding transcript variant (1).
Genome position (GRCh38, 1-based): chr1:5,905,691-5,905,703, TAACTGTTCGGCA deleted on the plus strand (TGCCGAACAGTTA on the coding strand, the reverse complement: NPHP4 is on the minus strand). VCF-style (leftmost placement, unchanged base first): chr1-5905690-GTAACTGTTCGGCA-G. GRCh37 (hg19) VCF-style: chr1-5965750-GTAACTGTTCGGCA-G.
Other names: c.153_165del, p.Ala52fs (NM_001291593.2); c.156_168del, p.Ala53fs (NM_001291594.2); short protein forms A53fs, A52fs, A565fs.
Identifiers: ClinVar variation 2872668 (VCV002872668.5), dbSNP rs1179512510, ClinGen allele CA737348526.